The following is an entry in ClinVar:

NM_003803.4(MYOM1):c.4160C>T (p.Thr1387Ile)

Gene: MYOM1 (myomesin 1; minus strand). Cytogenetic location: 18p11.31.
Variant type: single nucleotide variant.
Coding change: c.4160C>T on transcript NM_003803.4 (MANE Select); coding-DNA position 4160, C replaced by T.
Protein change: p.Thr1387Ile; replaces threonine 1387 with isoleucine.
Molecular consequence: missense variant.
Genome position (GRCh38, 1-based): chr18:3,086,129, G>A on the plus strand (C>T on the coding strand, the complement: MYOM1 is on the minus strand). VCF-style: chr18-3086129-G-A. GRCh37 (hg19) VCF-style: chr18-3086127-G-A.
Other names: c.3872C>T, p.Thr1291Ile (NM_019856.2); short protein forms T1291I, T1387I.
Identifiers: ClinVar variation 4744188 (VCV004744188.1).

ClinVar aggregate classification (germline): Uncertain significance (1 of 4 stars; one submission).

Conditions:
Hypertrophic cardiomyopathy. Also called: HYPERTROPHIC MYOCARDIOPATHY. Identifiers: Orphanet 217569, MedGen C0007194, MeSH D002312, MONDO:0005045, HP:0001639.

Submission:

Labcorp Genetics (formerly Invitae), Labcorp
Classification: Uncertain significance for Hypertrophic cardiomyopathy. Last evaluated: 2025-04-08. Review status: criteria provided, single submitter. Criteria: Invitae Variant Classification Sherloc (09022015). Collection method: clinical testing. Allele origin: germline.
Comment: This sequence change replaces threonine, which is neutral and polar, with isoleucine, which is neutral and non-polar, at codon 1387 of the MYOM1 protein (p.Thr1387Ile). This variant is not present in population databases (gnomAD no frequency). This variant has not been reported in the literature in individuals affected with MYOM1-related conditions. Invitae Evidence Modeling of protein sequence and biophysical properties (such as structural, functional, and spatial information, amino acid conservation, physicochemical variation, residue mobility, and thermodynamic stability) has been performed for this missense variant. However, the output from this modeling did not meet the statistical confidence thresholds required to predict the impact of this variant on MYOM1 protein function. In summary, the available evidence is currently insufficient to determine the role of this variant in disease. Therefore, it has been classified as a Variant of Uncertain Significance.